The following is an entry in ClinVar:

NM_000537.4(REN):c.36GCT[3] (p.Leu16del)

Genes: REN (renin; minus strand), LOC107548112 (REN promoter and enhancer region; plus strand). Cytogenetic location: 1q32.1.
Variant type: Microsatellite.
Coding change: c.36GCT[3] on transcript NM_000537.4 (MANE Select); three copies in a row of the 3-base unit GCT starting at c.36; the reference has four copies in a row; one copy, 3 bases deleted; also written c.45_47del.
Protein change: p.Leu16del; deletes leucine 16.
Molecular consequence: inframe deletion.
Genome position (GRCh38, 1-based): chr1:204,166,247-204,166,249, AGC deleted on the plus strand (GCT on the coding strand, the reverse complement: REN is on the minus strand); deleting any 3 consecutive bases within chr1:204,166,247-204,166,260 gives the same sequence; the position shown is the placement nearest the transcript's 3' end. VCF-style (leftmost placement, unchanged base first): chr1-204166246-GAGC-G. GRCh37 (hg19) VCF-style: chr1-204135374-GAGC-G.
Other names: c.45_47del (NM_000537.4); short protein forms L16del.
Identifiers: ClinVar variation 13125 (VCV000013125.8), dbSNP rs1571652012, ClinGen allele CA645539485.

ClinVar aggregate classification (germline): Pathogenic/Likely pathogenic. Review status: criteria provided, multiple submitters, no conflicts (2 of 4 stars). 3 submissions from 3 submitters: Pathogenic (1); Likely pathogenic (1). 1 of the submissions does not count toward it. Last evaluated 2025-06-12.

Conditions:
Familial juvenile hyperuricemic nephropathy type 2 (ADTKD4). Also called: Autosomal Dominant Tubulointerstitial Kidney Disease – REN; EARLY-ONSET HYPERURICEMIA, ANEMIA, AND PROGRESSIVE KIDNEY FAILURE. Identifiers: Orphanet 217330, MedGen C2751310, MONDO:0013128, OMIM 613092.
Renal tubular dysgenesis of genetic origin. Also called: PRIMITIVE RENAL TUBULE SYNDROME. Identifiers: Orphanet 97369, MedGen C5681536, MONDO:0009970, OMIM 267430.

Submissions (3):

Labcorp Genetics (formerly Invitae), Labcorp
Classification: Pathogenic. Last evaluated: 2025-06-12. Review status: criteria provided, single submitter. Criteria: Invitae Variant Classification Sherloc (09022015). Collection method: clinical testing. Allele origin: germline.
Comment: This variant, c.45_47del, results in the deletion of 1 amino acid(s) of the REN protein (p.Leu16del), but otherwise preserves the integrity of the reading frame. This variant is not present in population databases (gnomAD no frequency). This variant has been observed in individuals with autosomal dominant tubulointerstitial kidney disease (PMID: 19664745, 32750457). It has also been observed to segregate with disease in related individuals. Algorithms developed to predict the effect of variants on gene product structure and function are not available or were not evaluated for this variant. Experimental studies have shown that this variant affects REN function (PMID: 19664745, 32750457). For these reasons, this variant has been classified as Pathogenic.

Fulgent Genetics
Classification: Likely pathogenic for Renal tubular dysgenesis of genetic origin; Familial juvenile hyperuricemic nephropathy type 2. Last evaluated: 2024-02-07. Review status: criteria provided, single submitter. Criteria: ACMG Guidelines, 2015. Collection method: clinical testing. Allele origin: germline.

OMIM
Classification: Pathogenic for TUBULOINTERSTITIAL KIDNEY DISEASE, AUTOSOMAL DOMINANT 4. Last evaluated: 2009-08-01. Review status: no assertion criteria provided. Collection method: literature only. Allele origin: germline. Not counted in ClinVar's aggregate classification.

Literature cited by the submitters: PubMed 19664745 (cited by Labcorp Genetics (formerly Invitae), Labcorp and OMIM); PubMed 32750457 (cited by Labcorp Genetics (formerly Invitae), Labcorp); PubMed 12634862 (cited by OMIM).